The following is an entry in ClinVar:

ClinVar aggregate classification (germline): Pathogenic (1 of 4 stars; one submission).

Conditions:
Charcot-Marie-Tooth disease type 4. Also called: Charcot-Marie-Tooth, Type 4; Charcot-Marie-Tooth disease, type IV. Identifiers: Orphanet 64749, MedGen C4082197, MONDO:0018995.

Submission:

Labcorp Genetics (formerly Invitae), Labcorp
Classification: Pathogenic for Charcot-Marie-Tooth disease type 4. Last evaluated: 2026-01-04. Review status: criteria provided, single submitter. Criteria: Invitae Variant Classification Sherloc (09022015). Collection method: clinical testing. Allele origin: germline.
Comment: This sequence change creates a premature translational stop signal (p.Trp512Metfs*17) in the FGD4 gene. It is expected to result in an absent or disrupted protein product. Loss-of-function variants in FGD4 are known to be pathogenic (PMID: 17564972). This variant is not present in population databases (gnomAD no frequency). This variant has not been reported in the literature in individuals affected with FGD4-related conditions. For these reasons, this variant has been classified as Pathogenic.

Literature cited by the submitters: PubMed 17564972.

NM_001370298.3(FGD4):c.1944dup (p.Trp649fs)

Gene: FGD4 (FYVE, RhoGEF and PH domain containing 4; plus strand). Cytogenetic location: 12p11.21.
Variant type: Duplication.
Coding change: c.1944dup on transcript NM_001370298.3 (MANE Select); coding-DNA position 1944, one base duplicated (A; older notation c.1944dupA).
Protein change: p.Trp649fs; shifts the reading frame from tryptophan 649.
Molecular consequence: frameshift variant.
Genome position (GRCh38, 1-based): chr12:32,624,443, A duplicated; the last of 2 consecutive A bases (chr12:32,624,442-32,624,443); duplicating either gives the same sequence. VCF-style (leftmost placement, unchanged base first): chr12-32624441-G-GA. GRCh37 (hg19) VCF-style: chr12-32777375-G-GA.
Other names: c.1788dup, p.Trp597fs (NM_001304481.2); c.789dup, p.Trp264fs (NM_001304483.2); c.501dup, p.Trp168fs (NM_001304484.2); c.1254dup, p.Trp419fs (NM_001330373.2, NM_001330374.2, NM_001384130.1); c.981dup, p.Trp328fs (NM_001370297.1); c.1944dup, p.Trp649fs (NM_001384126.1); c.1533dup, p.Trp512fs (NM_001384127.1, NM_001384128.1, NM_001385118.1 and 1 more transcripts); short protein forms W168fs, W328fs, W597fs, W512fs, W264fs, W419fs, W649fs.
Identifiers: ClinVar variation 4723702 (VCV004723702.1).